The following is an entry in ClinVar:

NM_139281.3(WDR36):c.974C>T (p.Pro325Leu)

Gene: WDR36 (WD repeat domain 36; plus strand). Cytogenetic location: 5q22.1.
Variant type: single nucleotide variant.
Coding change: c.974C>T on transcript NM_139281.3 (MANE Select); coding-DNA position 974, C replaced by T.
Protein change: p.Pro325Leu; replaces proline 325 with leucine.
Molecular consequence: missense variant.
Genome position (GRCh38, 1-based): chr5:111,104,764, C>T. VCF-style: chr5-111104764-C-T. GRCh37 (hg19) VCF-style: chr5-110440463-C-T.
Other names: short protein forms P325L.
Identifiers: ClinVar variation 3632641 (VCV003632641.5).
Genomic context (GRCh38, chr5:111,104,764, plus strand): 5'-TATTTGATGGTCCTACAGGTGAAGGCCGACTTTTGAGATTCAGAATGGGTCATAGTGCTC[C>T]TCTTACCAATATCAGATATTATGGACAGAATGGACAGCAGATTCTAAGTGCAAGTGAGCT-3'
Protein context (NP_644810.2, residues 315-335): LLRFRMGHSA[Pro325Leu]LTNIRYYGQN

ClinVar aggregate classification (germline): Uncertain significance. Review status: criteria provided, multiple submitters, no conflicts (2 of 4 stars). 3 submissions from 3 submitters: Uncertain significance (3). Last evaluated 2025-08-17.

gnomAD v4.1: 113 of 1,611,272 alleles (0.007%); highest among the groups gnomAD compares: Non-Finnish European, 0.0087%; no homozygotes.

Submissions (3):

Dasa
Classification: Uncertain significance. Last evaluated: 2025-08-17. Review status: criteria provided, single submitter. Criteria: DASA Assertion Criteria. Collection method: clinical testing. Allele origin: germline.
Comment: NM_139281.3(WDR36):c.974C>T (p.Pro325Leu) is a missense variant that results in the substitution of proline with leucine. This variant is rare in population databases. The currently available literature and clinical evidence are not sufficient to establish a definitive association between this variant and the reported condition. Therefore, this variant is classified as a variant of uncertain significance.

Labcorp Genetics (formerly Invitae), Labcorp
Classification: Uncertain significance. Last evaluated: 2024-12-15. Review status: criteria provided, single submitter. Criteria: Invitae Variant Classification Sherloc (09022015). Collection method: clinical testing. Allele origin: germline.
Comment: This sequence change replaces proline, which is neutral and non-polar, with leucine, which is neutral and non-polar, at codon 381 of the WDR36 protein (p.Pro381Leu). This variant is present in population databases (rs149218427, gnomAD 0.03%). This variant has not been reported in the literature in individuals affected with WDR36-related conditions. Invitae Evidence Modeling of protein sequence and biophysical properties (such as structural, functional, and spatial information, amino acid conservation, physicochemical variation, residue mobility, and thermodynamic stability) indicates that this missense variant is expected to disrupt WDR36 protein function with a positive predictive value of 80%. In summary, the available evidence is currently insufficient to determine the role of this variant in disease. Therefore, it has been classified as a Variant of Uncertain Significance.

Blueprint Genetics
Classification: Uncertain significance. Last evaluated: 2022-03-24. Review status: criteria provided, single submitter. Criteria: ACMG Guidelines, 2015. Collection method: clinical testing. Allele origin: germline.